The following is an entry in ClinVar:

NM_006939.4(SOS2):c.798_800delinsCAA (p.Glu266_Met267delinsAspLys)

Gene: SOS2 (SOS Ras/Rho guanine nucleotide exchange factor 2; minus strand). Cytogenetic location: 14q21.3.
Variant type: Indel.
Coding change: c.798_800delinsCAA on transcript NM_006939.4 (MANE Select); coding-DNA positions 798 to 800, AAT replaced by CAA.
Protein change: p.Glu266_Met267delinsAspLys.
Molecular consequence: missense variant.
Genome position (GRCh38, 1-based): chr14:50,182,521-50,182,523, ATT replaced by TTG on the plus strand (AAT replaced by CAA on the coding strand, the reverse complement: SOS2 is on the minus strand). VCF-style: chr14-50182521-ATT-TTG. GRCh37 (hg19) VCF-style: chr14-50649239-ATT-TTG.
Identifiers: ClinVar variation 974591 (VCV000974591.1), dbSNP rs1885777585, ClinGen allele CA1139663484.

ClinVar aggregate classification (germline): Likely pathogenic (1 of 4 stars; one submission).

Conditions:
Noonan syndrome 9 (NS9). Identifiers: Orphanet 648, MedGen C4225282, MONDO:0014691, OMIM 616559.

Submission:

Department of Human Genetics, University Hospital Magdeburg
Classification: Likely pathogenic for Noonan syndrome 9. Last evaluated: 2020-07-02. Review status: criteria provided, single submitter. Criteria: ClinGen's RASopathy Expert Panel Guidelines, 2018. Collection method: clinical testing. Allele origin: unknown. Inheritance: Autosomal dominant inheritance. Affected: yes. Observed: 1 variant allele.
Comment: This variant is absent from gnomAD (PM2). Variants at the analogous position in SOS1 (c.806T>G and c.806T>C) have been classified as pathogenic (PM5_Strong).